The following is an entry in ClinVar:

ClinVar aggregate classification (germline): Pathogenic (1 of 4 stars; one submission).

Conditions:
Supravalvar aortic stenosis (SVAS). Also called: Supravalvar aortic stenosis, Eisenberg type. Identifiers: Orphanet 3193, MedGen C0003499, MONDO:0008504, OMIM 185500, HP:0004381.

Submission:

Labcorp Genetics (formerly Invitae), Labcorp
Classification: Pathogenic for Supravalvar aortic stenosis. Last evaluated: 2022-05-22. Review status: criteria provided, single submitter. Criteria: Invitae Variant Classification Sherloc (09022015). Collection method: clinical testing. Allele origin: germline.
Comment: This variant has not been reported in the literature in individuals affected with ELN-related conditions. This variant is not present in population databases (gnomAD no frequency). This sequence change creates a premature translational stop signal (p.Pro598Leufs*77) in the ELN gene. It is expected to result in an absent or disrupted protein product. Loss-of-function variants in ELN are known to be pathogenic (PMID: 11175284). For these reasons, this variant has been classified as Pathogenic.

Literature cited by the submitters: PubMed 11175284.

NM_000501.4(ELN):c.1706del (p.Pro569fs)

Genes: ELN (elastin; plus strand), ELN-AS1 (ELN antisense RNA 1; minus strand). Cytogenetic location: 7q11.23.
Variant type: Deletion.
Coding change: c.1706del on transcript NM_000501.4 (MANE Select); coding-DNA position 1706, one base deleted (C; older notation c.1706delC).
Protein change: p.Pro569fs; shifts the reading frame from proline 569.
Molecular consequence: frameshift variant.
Genome position (GRCh38, 1-based): chr7:74,060,460, C deleted; the last of 2 consecutive C bases (chr7:74,060,459-74,060,460); deleting either gives the same sequence. VCF-style (leftmost placement, unchanged base first): chr7-74060458-TC-T. GRCh37 (hg19) VCF-style: chr7-73474788-TC-T.
Other names: c.1619del, p.Pro540fs (NM_001081752.3); c.1664del, p.Pro555fs (NM_001081753.3); c.1721del, p.Pro574fs (NM_001081754.3); c.1649del, p.Pro550fs (NM_001081755.3); c.1706del, p.Pro569fs (NM_001278912.2); c.1463del, p.Pro488fs (NM_001278913.2); c.1634del, p.Pro545fs (NM_001278914.2); c.1724del, p.Pro575fs (NM_001278915.2); and 4 more; short protein forms P480fs, P521fs, P545fs, P569fs, P574fs, P488fs, P550fs, P555fs.
Identifiers: ClinVar variation 1998058 (VCV001998058.4), dbSNP rs2486322571, ClinGen allele CA2580077338.